The following is an entry in ClinVar:

ClinVar aggregate classification (germline): Pathogenic/Likely pathogenic. Review status: criteria provided, multiple submitters, no conflicts (2 of 4 stars). 2 submissions from 2 submitters: Pathogenic (1); Likely pathogenic (1). Last evaluated 2020-12-21.

Conditions:
TBX5-related disorder. Also called: TBX5-related condition.
Aortic valve disease 2 (AOVD2). Identifiers: MedGen C3542024, MONDO:0013902, OMIM 614823.

Submissions (2):

Blueprint Genetics
Classification: Likely pathogenic for TBX5-related disorders. Last evaluated: 2020-12-21. Review status: criteria provided, single submitter. Criteria: ACMG Guidelines, 2015. Collection method: clinical testing. Allele origin: germline. Affected: yes. Observed: 1 variant allele.

Labcorp Genetics (formerly Invitae), Labcorp
Classification: Pathogenic for Aortic valve disease 2. Last evaluated: 2019-04-30. Review status: criteria provided, single submitter. Criteria: Invitae Variant Classification Sherloc (09022015). Collection method: clinical testing. Allele origin: germline.
Comment: This sequence change creates a premature translational stop signal (p.Asn198Ilefs*15) in the TBX5 gene. It is expected to result in an absent or disrupted protein product. This variant is not present in population databases (ExAC no frequency). This variant has not been reported in the literature in individuals with TBX5-related conditions. Loss-of-function variants in TBX5 are known to be pathogenic (PMID: 16183809, 16917909). For these reasons, this variant has been classified as Pathogenic.

Literature cited by the submitters: PubMed 16183809 (cited by Labcorp Genetics (formerly Invitae), Labcorp); PubMed 16917909 (cited by Labcorp Genetics (formerly Invitae), Labcorp).

NM_181486.4(TBX5):c.593del (p.Asn198fs)

Gene: TBX5 (T-box transcription factor 5; minus strand). Cytogenetic location: 12q24.21.
Variant type: Deletion.
Coding change: c.593del on transcript NM_181486.4 (MANE Select); coding-DNA position 593, one base deleted (A; older notation c.593delA).
Protein change: p.Asn198fs; shifts the reading frame from asparagine 198.
Molecular consequence: frameshift variant.
Genome position (GRCh38, 1-based): chr12:114,394,811, T deleted on the plus strand (A on the coding strand, the reverse complement: TBX5 is on the minus strand); the first of 6 consecutive T bases (chr12:114,394,811-114,394,816); deleting any one gives the same sequence. VCF-style (leftmost placement, unchanged base first): chr12-114394810-AT-A. GRCh37 (hg19) VCF-style: chr12-114832615-AT-A.
Other names: c.593del, p.Asn198fs (NM_000192.3); c.443del, p.Asn148fs (NM_080717.4); short protein forms N198fs, N148fs.
Identifiers: ClinVar variation 944045 (VCV000944045.8), dbSNP rs1565939215, ClinGen allele CA645581141.
Genomic context (GRCh38, chr12:114,394,810, plus strand): 5'-CTGGTAGGAAGTCACTGCTATAAACGCAGTCTCAGGAAAGACGTGAGTGCAGAACGCTGT[AT>A]TTTTTGAGCCAAATCCATTATTTTCATCCGCTTTCACGATGTGTAATCTAGGCTGGTATT-3'